The following is an entry in ClinVar:

NM_001003694.2(BRPF1):c.1445A>C (p.Lys482Thr)

Gene: BRPF1 (bromodomain and PHD finger containing 1; plus strand). Cytogenetic location: 3p25.3.
Variant type: single nucleotide variant.
Coding change: c.1445A>C on transcript NM_001003694.2 (MANE Select); coding-DNA position 1445, A replaced by C.
Protein change: p.Lys482Thr; replaces lysine 482 with threonine.
Molecular consequence: missense variant. On other transcripts: non-coding transcript variant (1).
Genome position (GRCh38, 1-based): chr3:9,739,844, A>C. VCF-style: chr3-9739844-A-C. GRCh37 (hg19) VCF-style: chr3-9781528-A-C.
Other names: c.1445A>C, p.Lys482Thr (NM_001319049.2, NM_001319050.2, NM_001410704.1 and 1 more transcripts); short protein forms K482T.
Identifiers: ClinVar variation 2632843 (VCV002632843.2), dbSNP rs2471474608, ClinGen allele CA351688535.

ClinVar aggregate classification (germline): Uncertain significance (1 of 4 stars; one submission).

Conditions:
BRPF1-related disorder. Also called: BRPF1-related condition.

Submission:

PreventionGenetics, part of Exact Sciences
Classification: Uncertain significance for BRPF1-related condition. Last evaluated: 2026-08-13. Review status: criteria provided, single submitter. Criteria: ACMG Guidelines, 2015. Collection method: clinical testing. Allele origin: germline.
Comment: The BRPF1 c.1445A>C variant is predicted to result in the amino acid substitution p.Lys482Thr. To our knowledge, this variant has not been reported in the literature or in a large population database (gnomAD), indicating this variant is rare. Statistical evidence in gnomAD suggests the BRPF1 gene is intolerant of missense variation. At this time, the clinical significance of this variant is uncertain due to the absence of conclusive functional and genetic evidence.